The following is an entry in ClinVar:

ClinVar aggregate classification (germline): Uncertain significance (1 of 4 stars; one submission).

Conditions:
SNRNP200-related disorder. Also called: SNRNP200-related condition.

Submission:

PreventionGenetics, part of Exact Sciences
Classification: Uncertain significance for SNRNP200-related condition. Last evaluated: 2025-10-03. Review status: criteria provided, single submitter. Criteria: ACMG Guidelines, 2015. Collection method: clinical testing. Allele origin: germline.
Comment: The SNRNP200 c.4633C>T variant is predicted to result in the amino acid substitution p.Pro1545Ser. To our knowledge, this variant has not been reported in the literature. This variant is absent from one large public population database (gnomAD), indicating that this variant is rare in the general population. At this time, the clinical significance of this variant is uncertain due to the absence of conclusive functional and genetic evidence.

NM_014014.5(SNRNP200):c.4633C>T (p.Pro1545Ser)

Gene: SNRNP200 (small nuclear ribonucleoprotein U5 subunit 200; minus strand). Cytogenetic location: 2q11.2.
Variant type: single nucleotide variant.
Coding change: c.4633C>T on transcript NM_014014.5 (MANE Select); coding-DNA position 4633, C replaced by T.
Protein change: p.Pro1545Ser; replaces proline 1545 with serine.
Molecular consequence: missense variant.
Genome position (GRCh38, 1-based): chr2:96,283,665, G>A on the plus strand (C>T on the coding strand, the complement: SNRNP200 is on the minus strand). VCF-style: chr2-96283665-G-A. GRCh37 (hg19) VCF-style: chr2-96949403-G-A.
Other names: short protein forms P1545S.
Identifiers: ClinVar variation 4998063 (VCV004998063.1).
Genomic context (GRCh38, chr2:96,283,665, plus strand): 5'-ACGGCACAAAGACAATGACAGGCTTCTTGGGCGAGTGCTTGGTGATAGCATGGTACACAG[G>A]CTTGGCCATGGAGAGCAGGCGGGTTTGTGTATGGCTGATGTTGAAGCCCTGGCGACCGGG-3'
Protein context (NP_054733.2, residues 1535-1555): TQTRLLSMAK[Pro1545Ser]VYHAITKHSP